The following is an entry in ClinVar:

NM_021120.4(DLG3):c.463C>T (p.Pro155Ser)

Gene: DLG3 (discs large MAGUK scaffold protein 3; plus strand). Cytogenetic location: Xq13.1.
Variant type: single nucleotide variant.
Coding change: c.463C>T on transcript NM_021120.4 (MANE Select); coding-DNA position 463, C replaced by T.
Protein change: p.Pro155Ser; replaces proline 155 with serine.
Molecular consequence: missense variant.
Genome position (GRCh38, 1-based): chrX:70,449,413, C>T. VCF-style: chrX-70449413-C-T. GRCh37 (hg19) VCF-style: chrX-69669263-C-T.
Other names: short protein forms P155S.
Identifiers: ClinVar variation 3770145 (VCV003770145.1).

ClinVar aggregate classification (germline): Uncertain significance (1 of 4 stars; one submission).

Conditions:
Intellectual developmental disorder, X-linked 90. Also called: DLG3-Related X-Linked Nonsyndromic Mental Retardation; Intellectual disability, X-linked 90. Identifiers: Orphanet 777, MedGen C3275443, MONDO:0010452, OMIM 300850.

gnomAD v4.1: 3 of 1,211,365 alleles (0.00025%); highest among the groups gnomAD compares: East Asian, 0.003%; no homozygotes.

Submission:

Equipe Genetique des Anomalies du Developpement, Université de Bourgogne
Classification: Uncertain significance for Intellectual developmental disorder, X-linked 90. Last evaluated: 2025-01-31. Review status: criteria provided, single submitter. Criteria: ACMG Guidelines, 2015. Collection method: curation. Allele origin: germline. Affected: yes.
Comment: Literature review. This variant is a missense which replaces a proline with a serine at position 155. Hemizygous pathogenic variants in DLG3 are reported in an autosomal dominant intellectual disability (OMIM #300850). This variant is not present in male individuals in the population database gnomAD (v4.1.0). It has not been reported in ClinVar and was reported in the literature (PMID:38249294). In silico prediction scores are inconclusive. Based on these evidences, the variant was classified as of uncertain significance.

Literature cited by the submitters: PubMed 38249294.